The following is an entry in ClinVar:

ClinVar aggregate classification (germline): Conflicting classifications of pathogenicity. Review status: criteria provided, conflicting classifications (1 of 4 stars). 2 submissions from 2 submitters: Pathogenic (1); Uncertain significance (1). Last evaluated 2025-12-02.

Conditions:
Hereditary cancer-predisposing syndrome. Also called: Neoplastic Syndromes, Hereditary; Hereditary Cancer Syndrome; Hereditary neoplastic syndrome; Tumor predisposition. Identifiers: Orphanet 140162, MedGen C0027672, MeSH D009386, MONDO:0015356.

gnomAD v4.1: 1 of 1,614,168 alleles (0.000062%); highest among the groups gnomAD compares: Non-Finnish European, 0.000085%; no homozygotes.

Submissions (2):

Ambry Genetics
Classification: Uncertain significance for Hereditary cancer-predisposing syndrome. Last evaluated: 2025-12-02. Review status: criteria provided, single submitter. Criteria: Ambry Variant Classification Scheme 2023. Collection method: clinical testing. Allele origin: germline.
Comment: The p.S30* variant (also known as c.89C>A), located in coding exon 2 of the POLE gene, results from a C to A substitution at nucleotide position 89. This changes the amino acid from a serine to a stop codon within coding exon 2. This alteration is expected to result in loss of function by premature protein truncation or nonsense-mediated mRNA decay. Although biallelic loss of function of POLE has been associated with autosomal recessive POLE deficiency, haploinsufficiency of POLE has not been established as a mechanism of disease for POLE-related polymerase proofreading-associated polyposis (PPAP) and POLE-related CMMRD-like syndrome. Based on the supporting evidence, this variant is expected to be causative of POLE deficiency when present along with a second pathogenic variant on the other allele; however, its clinical significance for PPAP and POLE-related CMMRD-like syndrome is unlikely.

Labcorp Genetics (formerly Invitae), Labcorp
Classification: Pathogenic. Last evaluated: 2025-09-22. Review status: criteria provided, single submitter. Criteria: Invitae Variant Classification Sherloc (09022015). Collection method: clinical testing. Allele origin: germline.
Comment: This sequence change creates a premature translational stop signal (p.Ser30*) in the POLE gene. It is expected to result in an absent or disrupted protein product. Loss-of-function variants in POLE are known to be pathogenic (PMID: 23230001, 25948378, 30503519). This variant is present in population databases (no rsID available, gnomAD 0.0009%). This variant has not been reported in the literature in individuals affected with POLE-related conditions. ClinVar contains an entry for this variant (Variation ID: 1423169). Algorithms developed to predict the effect of sequence changes on RNA splicing suggest that this variant may disrupt the consensus splice site. For these reasons, this variant has been classified as Pathogenic.

Literature cited by the submitters: PubMed 23230001 (cited by Labcorp Genetics (formerly Invitae), Labcorp); PubMed 25948378 (cited by Labcorp Genetics (formerly Invitae), Labcorp); PubMed 30503519 (cited by Labcorp Genetics (formerly Invitae), Labcorp).

NM_006231.4(POLE):c.89C>A (p.Ser30Ter)

Gene: POLE (DNA polymerase epsilon, catalytic subunit; minus strand). Cytogenetic location: 12q24.33.
Variant type: single nucleotide variant.
Coding change: c.89C>A on transcript NM_006231.4 (MANE Select); coding-DNA position 89, C replaced by A.
Protein change: p.Ser30Ter; replaces serine 30 with a stop codon.
Molecular consequence: nonsense.
Genome position (GRCh38, 1-based): chr12:132,681,253, G>T on the plus strand (C>A on the coding strand, the complement: POLE is on the minus strand). VCF-style: chr12-132681253-G-T. GRCh37 (hg19) VCF-style: chr12-133257839-G-T.
Other names: c.89C>A (NM_006231.2); short protein forms S30*.
Identifiers: ClinVar variation 1423169 (VCV001423169.9), dbSNP rs997586826, ClinGen allele CA387370560.
Genomic context (GRCh38, chr12:132,681,253, plus strand): 5'-AAACCAAACCGCAAATCCATCTTATCCGTCCACTGACTCCGTTCCAGGCGCTTGAGTGCC[G>T]AAACTGAGGAAGTGGCGCCATCATCCCTGAGTGAAAGAAGGGAACCCCGTGCTTAATTTG-3'